The following is an entry in ClinVar:

ClinVar aggregate classification (germline): Uncertain significance (1 of 4 stars; one submission).

Conditions:
Chondrodysplasia punctata, brachytelephalangic, autosomal. Also called: BRACHYTELEPHALANGIC CHONDRODYSPLASIA PUNCTATA. Identifiers: MedGen C1844853, MONDO:0011238, OMIM 602497.

gnomAD v4.1: 1 of 1,208,877 alleles (0.000083%); highest among the groups gnomAD compares: Non-Finnish European, 0.00011%; no homozygotes.

Submission:

Labcorp Genetics (formerly Invitae), Labcorp
Classification: Uncertain significance for Chondrodysplasia punctata, brachytelephalangic, autosomal. Last evaluated: 2024-04-03. Review status: criteria provided, single submitter. Criteria: Invitae Variant Classification Sherloc (09022015). Collection method: clinical testing. Allele origin: germline.
Comment: This sequence change replaces threonine, which is neutral and polar, with isoleucine, which is neutral and non-polar, at codon 210 of the ARSE protein (p.Thr210Ile). This variant is not present in population databases (gnomAD no frequency). This variant has not been reported in the literature in individuals affected with ARSE-related conditions. Advanced modeling of protein sequence and biophysical properties (such as structural, functional, and spatial information, amino acid conservation, physicochemical variation, residue mobility, and thermodynamic stability) has been performed at Invitae for this missense variant, however the output from this modeling did not meet the statistical confidence thresholds required to predict the impact of this variant on ARSE protein function. In summary, the available evidence is currently insufficient to determine the role of this variant in disease. Therefore, it has been classified as a Variant of Uncertain Significance.

NM_000047.3(ARSL):c.629C>T (p.Thr210Ile)

Gene: ARSL (arylsulfatase L; minus strand). Cytogenetic location: Xp22.33.
Variant type: single nucleotide variant.
Coding change: c.629C>T on transcript NM_000047.3 (MANE Select); coding-DNA position 629, C replaced by T.
Protein change: p.Thr210Ile; replaces threonine 210 with isoleucine.
Molecular consequence: missense variant.
Genome position (GRCh38, 1-based): chrX:2,949,529, G>A on the plus strand (C>T on the coding strand, the complement: ARSL is on the minus strand). VCF-style: chrX-2949529-G-A. GRCh37 (hg19) VCF-style: chrX-2867570-G-A.
Other names: c.704C>T, p.Thr235Ile (NM_001282628.2, NM_001369080.1); c.467C>T, p.Thr156Ile (NM_001282631.2); c.656C>T, p.Thr219Ile (NM_001369079.1); short protein forms T235I, T156I, T210I, T219I.
Identifiers: ClinVar variation 3675244 (VCV003675244.2).